The following is an entry in ClinVar:

ClinVar aggregate classification (germline): Likely pathogenic (0 of 4 stars; one submission).

Conditions:
Lysinuric protein intolerance (LPI). Identifiers: Orphanet 470, MedGen C0268647, MONDO:0009109, OMIM 222700.

Allele frequency attached by ClinVar (database versions not stated): gnomAD exomes below 0.00001.
gnomAD v4.1: 1 of 1,614,084 alleles (0.000062%); highest among the groups gnomAD compares: Non-Finnish European, 0.000085%; no homozygotes.

Submission:

Juha Muilu Group; Institute for Molecular Medicine Finland (FIMM)
Classification: Likely pathogenic for Lysinuric protein intolerance. Review status: no assertion criteria provided. Collection method: not provided. Allele origin: unknown.
Comment: FinDis database variant: This variant was not found or characterized by our laboratory, data were collected from public sources: see reference
ClinVar note: Converted during submission from probable-pathogenic to Likely pathogenic.

NM_003982.4(SLC7A7):c.563C>T (p.Thr188Ile)

Gene: SLC7A7 (solute carrier family 7 member 7; minus strand). Cytogenetic location: 14q11.2.
Variant type: single nucleotide variant.
Coding change: c.563C>T on transcript NM_003982.4 (MANE Select); coding-DNA position 563, C replaced by T.
Protein change: p.Thr188Ile; replaces threonine 188 with isoleucine.
Molecular consequence: missense variant.
Genome position (GRCh38, 1-based): chr14:22,779,988, G>A on the plus strand (C>T on the coding strand, the complement: SLC7A7 is on the minus strand). VCF-style: chr14-22779988-G-A. GRCh37 (hg19) VCF-style: chr14-23249197-G-A.
Other names: c.563C>T, p.Thr188Ile (NM_001126105.3, NM_001126106.4); short protein forms T188I.
Identifiers: ClinVar variation 56371 (VCV000056371.2), dbSNP rs386833819, ClinGen allele CA263825.
Genomic context (GRCh38, chr14:22,779,988, plus strand): 5'-TGGCCAAGTCTAACAATGCCTGCAACGATGACCGCGATCAGTGCCAATACTTTAGCATAG[G>A]TGAAAATATCTTGTACCAGGGTTCCCCATTTGACATAGGCACAGTTAATGAAGGTTAAGA-3'
Protein context (NP_003973.3, residues 178-198): KWGTLVQDIF[Thr188Ile]YAKVLALIAV